The following is an entry in ClinVar:

ClinVar aggregate classification (germline): Pathogenic/Likely pathogenic. Review status: criteria provided, multiple submitters, no conflicts (2 of 4 stars). 2 submissions from 2 submitters: Pathogenic (1); Likely pathogenic (1). Last evaluated 2023-02-03.

Conditions:
Pheochromocytoma. Also called: MAX-Related Hereditary Paraganglioma-Pheochromocytoma Syndrome. Identifiers: Orphanet 29072, MedGen C0031511, MONDO:0008233, OMIM 171300, HP:0002666.
Hereditary pheochromocytoma and paraganglioma. Also called: Hereditary paragangliomas and pheochromocytomas; Hereditary pheochromocytoma-paraganglioma; Hereditary Paraganglioma-Pheochromocytoma Syndromes. Identifiers: Orphanet 29072, MedGen C4274332, MONDO:0017366.

Submissions (2):

Laboratorio de Genetica e Diagnostico Molecular, Hospital Israelita Albert Einstein
Classification: Likely pathogenic for Pheochromocytoma. Last evaluated: 2023-02-03. Review status: criteria provided, single submitter. Criteria: ACMG Guidelines, 2015. Collection method: clinical testing. Allele origin: germline. Affected: yes. Observed: 1 variant allele.
Comment: ACMG classification criteria: PVS1 strong, PM2 moderated

Labcorp Genetics (formerly Invitae), Labcorp
Classification: Pathogenic for Hereditary pheochromocytoma and paraganglioma. Last evaluated: 2020-06-24. Review status: criteria provided, single submitter. Criteria: Invitae Variant Classification Sherloc (09022015). Collection method: clinical testing. Allele origin: germline.
Comment: For these reasons, this variant has been classified as Pathogenic. Loss-of-function variants in MAX are known to be pathogenic (PMID: 21685915, 26070438). This variant has not been reported in the literature in individuals with MAX-related conditions. This variant is not present in population databases (ExAC no frequency). This sequence change creates a premature translational stop signal (p.Gln19*) in the MAX gene. It is expected to result in an absent or disrupted protein product.

Literature cited by the submitters: PubMed 21685915 (cited by Labcorp Genetics (formerly Invitae), Labcorp); PubMed 26070438 (cited by Labcorp Genetics (formerly Invitae), Labcorp).

NM_002382.5(MAX):c.55C>T (p.Gln19Ter)

Gene: MAX (MYC associated transcriptional regulator X; minus strand). Cytogenetic location: 14q23.3.
Variant type: single nucleotide variant.
Coding change: c.55C>T on transcript NM_002382.5 (MANE Select); coding-DNA position 55, C replaced by T.
Protein change: p.Gln19Ter; replaces glutamine 19 with a stop codon.
Molecular consequence: nonsense. On other transcripts: 5 prime UTR variant (1), intron variant (3).
Genome position (GRCh38, 1-based): chr14:65,101,554, G>A on the plus strand (C>T on the coding strand, the complement: MAX is on the minus strand). VCF-style: chr14-65101554-G-A. GRCh37 (hg19) VCF-style: chr14-65568272-G-A.
Other names: c.-220C>T (NM_001320415.2); c.55C>T, p.Gln19Ter (NM_145113.3, NM_145114.3, NM_197957.4); c.36+750C>T (NM_001271069.2, NM_145112.3, NM_001271068.2); short protein forms Q19*.
Identifiers: ClinVar variation 1075945 (VCV001075945.7), dbSNP rs2139963878, ClinGen allele CA390038728.